The following is an entry in ClinVar:

ClinVar aggregate classification (germline): Pathogenic (1 of 4 stars; one submission).

Submission:

GeneDx
Classification: Pathogenic. Last evaluated: 2019-03-08. Review status: criteria provided, single submitter. Criteria: GeneDx Variant Classification (06012015). Collection method: clinical testing. Allele origin: germline. Affected: yes.
Comment: The c.407_435del29 variant in the PURA gene has not been reported previously as a pathogenic variant nor as a benign variant, to our knowledge. The c.407_435del29 variant causes a frameshift starting with codon Glutamine 136, changes this amino acid to an Arginine residue, and creates a premature Stop codon at position 55 of the new reading frame, denoted p.Gln136ArgfsX55. This variant causes the last 187 amino acids to be replaced with 54 incorrect amino acids and is predicted to cause loss of normal protein function through protein truncation. The c.407_435del29 variant is not observed in large population cohorts (Lek et al., 2016). We interpret c.407_435del29 as a pathogenic variant.

NM_005859.5(PURA):c.407_435del (p.Gln136fs)

Genes: PURA (purine rich element binding protein A; plus strand), LOC129994826 (ATAC-STARR-seq lymphoblastoid active region 23260; plus strand). Cytogenetic location: 5q31.3.
Variant type: Deletion.
Coding change: c.407_435del on transcript NM_005859.5 (MANE Select); coding-DNA positions 407 to 435, 29 bases deleted (AGGACGAGCCGCGCCGGGCGCTCAAAAGC).
Protein change: p.Gln136fs; shifts the reading frame from glutamine 136.
Molecular consequence: frameshift variant.
Genome position (GRCh38, 1-based): chr5:140,114,588-140,114,616, AGGACGAGCCGCGCCGGGCGCTCAAAAGC deleted; deleting any 29 consecutive bases within chr5:140,114,586-140,114,616 gives the same sequence; the c. name uses the placement nearest the transcript's 3' end. VCF-style (leftmost placement, unchanged base first): chr5-140114585-CGCAGGACGAGCCGCGCCGGGCGCTCAAAA-C. GRCh37 (hg19) VCF-style: chr5-139494170-CGCAGGACGAGCCGCGCCGGGCGCTCAAAA-C.
Other names: short protein forms Q136fs.
Identifiers: ClinVar variation 817473 (VCV000817473.1), dbSNP rs1581036360, ClinGen allele CA915942637.